The following is an entry in ClinVar:

NM_000090.4(COL3A1):c.1658C>T (p.Pro553Leu)

Gene: COL3A1 (collagen type III alpha 1 chain; plus strand). Cytogenetic location: 2q32.2.
Variant type: single nucleotide variant.
Coding change: c.1658C>T on transcript NM_000090.4 (MANE Select); coding-DNA position 1658, C replaced by T.
Protein change: p.Pro553Leu; replaces proline 553 with leucine.
Molecular consequence: missense variant.
Genome position (GRCh38, 1-based): chr2:188,996,174, C>T. VCF-style: chr2-188996174-C-T. GRCh37 (hg19) VCF-style: chr2-189860900-C-T.
Other names: short protein forms P553L.
Identifiers: ClinVar variation 1422342 (VCV001422342.9), dbSNP rs1330285574, ClinGen allele CA349852517.

ClinVar aggregate classification (germline): Uncertain significance. Review status: criteria provided, multiple submitters, no conflicts (2 of 4 stars). 2 submissions from 2 submitters: Uncertain significance (2). Last evaluated 2023-08-15.

Conditions:
Ehlers-Danlos syndrome, type 4 (EDSVASC). Also called: Ehlers-Danlos syndrome vascular type; Ehlers Danlos syndrome, ecchymotic type; Ehlers Danlos syndrome, arterial type; Ehlers Danlos syndrome, Sack-Barabas type; Ehlers-Danlos Syndrome Type IV. Identifiers: Orphanet 286, MedGen C0268338, MONDO:0017314, OMIM 130050.

Submissions (2):

All of Us Research Program, National Institutes of Health
Classification: Uncertain significance for Ehlers-Danlos syndrome, type 4. Last evaluated: 2023-08-15. Review status: criteria provided, single submitter. Criteria: ACMG Guidelines, 2015. Collection method: clinical testing. Allele origin: germline. Inheritance: Autosomal dominant inheritance. Observed: 1 variant allele, 1 heterozygote.
Comment: This study involves interpretation of variants in research participants for the purpose of population health screening. Participant phenotype was not available at the time of variant classification. Additional details can be found in publication PMID: 35346344, PMCID: PMC8962531

Labcorp Genetics (formerly Invitae), Labcorp
Classification: Uncertain significance for Ehlers-Danlos syndrome, type 4. Last evaluated: 2021-02-21. Review status: criteria provided, single submitter. Criteria: Invitae Variant Classification Sherloc (09022015). Collection method: clinical testing. Allele origin: germline.
Comment: This variant is not present in population databases (ExAC no frequency). This variant has not been reported in the literature in individuals with COL3A1-related conditions. Advanced modeling of protein sequence and biophysical properties (such as structural, functional, and spatial information, amino acid conservation, physicochemical variation, residue mobility, and thermodynamic stability) performed at Invitae indicates that this missense variant is not expected to disrupt COL3A1 protein function. In summary, the available evidence is currently insufficient to determine the role of this variant in disease. Therefore, it has been classified as a Variant of Uncertain Significance. This sequence change replaces proline with leucine at codon 553 of the COL3A1 protein (p.Pro553Leu). The proline residue is highly conserved and there is a moderate physicochemical difference between proline and leucine.